The following is an entry in ClinVar:

NM_003588.4(CUL4B):c.-48A>G

Gene: CUL4B (cullin 4B; minus strand). Cytogenetic location: Xq24.
Variant type: single nucleotide variant.
Coding change: c.-48A>G on transcript NM_003588.4; 48 bases upstream of the start codon, A replaced by G.
Molecular consequence: 5 prime UTR variant.
Genome position (GRCh38, 1-based): chrX:120,575,440, T>C on the plus strand (A>G on the coding strand, the complement: CUL4B is on the minus strand). VCF-style: chrX-120575440-T-C. GRCh37 (hg19) VCF-style: chrX-119709295-T-C.
Identifiers: ClinVar variation 391761 (VCV000391761.3), dbSNP rs1057524224, ClinGen allele CA16609120.
Genomic context (GRCh38, chrX:120,575,440, plus strand): 5'-AATCTCAAAAGGGCATTTTAGCTCACCGTCAGTCACTGGAGGATCCGTTGTGTTCTTCTA[T>C]CTAAGGTCCGAGCTGTCTAAAGCAGAGGATTGGGAAGACCTTTTGAAAACACTTTAGCAA-3'

ClinVar aggregate classification (germline): Likely benign (1 of 4 stars; one submission).

Submission:

GeneDx
Classification: Likely benign. Last evaluated: 2016-12-13. Review status: criteria provided, single submitter. Criteria: GeneDx Variant Classification (06012015). Collection method: clinical testing. Allele origin: germline. Affected: yes.
Comment: This variant is considered likely benign or benign based on one or more of the following criteria: it is a conservative change, it occurs at a poorly conserved position in the protein, it is predicted to be benign by multiple in silico algorithms, and/or has population frequency not consistent with disease.